The following is an entry in ClinVar:

ClinVar aggregate classification (germline): Uncertain significance (1 of 4 stars; one submission).

Conditions:
Charcot-Marie-Tooth disease type 2. Also called: Charcot-Marie-Tooth type 2. Identifiers: Orphanet 64746, MedGen C0270914, MONDO:0018993.

Submission:

Labcorp Genetics (formerly Invitae), Labcorp
Classification: Uncertain significance for Charcot-Marie-Tooth disease type 2. Last evaluated: 2018-03-22. Review status: criteria provided, single submitter. Criteria: Invitae Variant Classification Sherloc (09022015). Collection method: clinical testing. Allele origin: germline.
Comment: This sequence change replaces arginine with leucine at codon 428 of the GARS protein (p.Arg428Leu). The arginine residue is highly conserved and there is a moderate physicochemical difference between arginine and leucine. In summary, the available evidence is currently insufficient to determine the role of this variant in disease. Therefore, it has been classified as a Variant of Uncertain Significance. Algorithms developed to predict the effect of missense changes on protein structure and function (SIFT, PolyPhen-2, Align-GVGD) all suggest that this variant is likely to be disruptive, but these predictions have not been confirmed by published functional studies and their clinical significance is uncertain. This variant has not been reported in the literature in individuals with GARS-related disease. This variant is not present in population databases (ExAC no frequency).

NM_002047.4(GARS1):c.1283G>T (p.Arg428Leu)

Gene: GARS1 (glycyl-tRNA synthetase 1; plus strand). Cytogenetic location: 7p14.3.
Variant type: single nucleotide variant.
Coding change: c.1283G>T on transcript NM_002047.4 (MANE Select); coding-DNA position 1283, G replaced by T.
Protein change: p.Arg428Leu; replaces arginine 428 with leucine.
Molecular consequence: missense variant.
Genome position (GRCh38, 1-based): chr7:30,617,202, G>T. VCF-style: chr7-30617202-G-T. GRCh37 (hg19) VCF-style: chr7-30656818-G-T.
Other names: c.1121G>T, p.Arg374Leu (NM_001316772.1); c.1283G>T (LRG_243t1); short protein forms R428L, R374L.
Identifiers: ClinVar variation 581608 (VCV000581608.8), dbSNP rs1203971547, ClinGen allele CA367127179.